The following is an entry in ClinVar:

ClinVar aggregate classification (germline): Pathogenic (0 of 4 stars; one submission).

Conditions:
Alport syndrome. Also called: Hemorrhagic familial nephritis; Hemorrhagic hereditary nephritis; Congenital hereditary hematuria. Identifiers: Orphanet 63, MedGen C1567741, MONDO:0018965.

Submission:

Sydney Genome Diagnostics, Children's Hospital Westmead
Classification: Pathogenic for Alport syndrome. Last evaluated: 2019-12-06. Review status: no assertion criteria provided. Collection method: clinical testing. Allele origin: unknown. Affected: yes. Observed: 2 variant alleles, 1 hemizygote.
Comment: This variant creates a premature stop codon p.(Gln1289*) and may result in a null allele due to nonsense-mediated mRNA decay. The variant has not been reported in any population databases (i.e. gnomAD, ExAC, ESP or dbSNP) The variant has been previously reported in an individual with renal disease (Mallett et al Kidney Int. 2017 Dec;92(6):1493-1506). The variant is referred to as c.3883C>T (p.Gln1295*) relative to transcript NM_033380.2 in this paper. This variant is considered to be a pathogenic according to the ACMG guidelines (Evidence used: PVS1, PM2, PM6, PP5).

NM_033380.3(COL4A5):c.3883C>T (p.Gln1295Ter)

Gene: COL4A5 (collagen type IV alpha 5 chain; plus strand). Cytogenetic location: Xq22.3.
Variant type: single nucleotide variant.
Coding change: c.3883C>T on transcript NM_033380.3 (MANE Select); coding-DNA position 3883, C replaced by T.
Protein change: p.Gln1295Ter; replaces glutamine 1295 with a stop codon.
Molecular consequence: nonsense.
Genome position (GRCh38, 1-based): chrX:108,677,574, C>T. VCF-style: chrX-108677574-C-T. GRCh37 (hg19) VCF-style: chrX-107920804-C-T.
Other names: c.3865C>T, p.Gln1289Ter (NM_000495.5); short protein forms Q1289*, Q1295*.
Identifiers: ClinVar variation 988157 (VCV000988157.1), dbSNP rs2068330799, ClinGen allele CA413850436.